The following is an entry in ClinVar:

NC_012920.1(MT-CO2):m.7980A>G

Gene: MT-CO2 (mitochondrially encoded cytochrome c oxidase II; plus strand).
Variant type: single nucleotide variant.
Genome position: chrM-7980-A-G.
Identifiers: ClinVar variation 692805 (VCV000692805.1), dbSNP rs1603221241, ClinGen allele CA414794506.

ClinVar aggregate classification (germline): Uncertain significance (1 of 4 stars; one submission).

Conditions:
Leigh syndrome (NULS). Also called: Leigh's necrotizing encephalopathy; Leigh's disease; Leigh Syndrome (mtDNA deletion); Leigh Disease; Subacute necrotizing encephalopathy; Necrotizing encephalopathy infantile subacute of Leigh. Identifiers: Orphanet 506, MedGen C2931891, MONDO:0009723, OMIM 256000.

Submission:

Wong Mito Lab, Molecular and Human Genetics, Baylor College of Medicine
Classification: Uncertain significance for Leigh syndrome. Last evaluated: 2019-10-17. Review status: criteria provided, single submitter. Criteria: Modified ACMG Guidelines (Unpublished). Collection method: clinical testing. Allele origin: germline.
Comment: The NC_012920.1:m.7980A>G (YP_003024029.1:p.Asp132Gly) variant in MTCO2 gene is interpretated to be a Uncertain Significance variant based on the modified ACMG guidelines (unpublished). This variant meets the following evidence codes: PP4, BP6